The following is an entry in ClinVar:

NM_001271.4(CHD2):c.63-160C>T

Gene: CHD2 (chromodomain helicase DNA binding protein 2; plus strand). Cytogenetic location: 15q26.1.
Variant type: single nucleotide variant.
Coding change: c.63-160C>T on transcript NM_001271.4 (MANE Select); 160 bases into the intron before coding-DNA position 63, C replaced by T.
Molecular consequence: intron variant.
Genome position (GRCh38, 1-based): chr15:92,924,161, C>T. VCF-style: chr15-92924161-C-T. GRCh37 (hg19) VCF-style: chr15-93467391-C-T.
Other names: c.63-160C>T (NM_001042572.3).
Identifiers: ClinVar variation 678358 (VCV000678358.1), dbSNP rs3826036, ClinGen allele CA15850252.

ClinVar aggregate classification (germline): Benign (1 of 4 stars; one submission).

Allele frequency attached by ClinVar (database versions not stated): TOPMed 0.40991; gnomAD 0.41027 and 0.42551; 1000 Genomes Project 30x 0.49438; gnomAD exomes 0.50954; 1000 Genomes Project 0.50998.
gnomAD v4.1: 281,189 of 578,184 alleles (49%); highest among the groups gnomAD compares: East Asian, 83%; 73,424 homozygotes.

Submission:

GeneDx
Classification: Benign. Last evaluated: 2018-06-14. Review status: criteria provided, single submitter. Criteria: GeneDx Variant Classification (06012015). Collection method: clinical testing. Allele origin: germline. Affected: yes.
Comment: This variant is considered likely benign or benign based on one or more of the following criteria: it is a conservative change, it occurs at a poorly conserved position in the protein, it is predicted to be benign by multiple in silico algorithms, and/or has population frequency not consistent with disease.